The following is an entry in ClinVar:

ClinVar aggregate classification (germline): Benign/Likely benign. Review status: criteria provided, multiple submitters, no conflicts (2 of 4 stars). 5 submissions from 5 submitters: Benign (2); Likely benign (3). Last evaluated 2025-09-29.

Conditions:
Familial adenomatous polyposis 1 (FAP1). Also called: FAMILIAL ADENOMATOUS POLYPOSIS 1, ATTENUATED; POLYPOSIS, ADENOMATOUS INTESTINAL. Identifiers: MedGen C2713442, MONDO:0021056, OMIM 175100. Disease mechanism: loss of function.
Hereditary cancer-predisposing syndrome. Also called: Neoplastic Syndromes, Hereditary; Hereditary Cancer Syndrome; Tumor predisposition; Hereditary neoplastic syndrome. Identifiers: Orphanet 140162, MedGen C0027672, MeSH D009386, MONDO:0015356.

Submissions (5):

Labcorp Genetics (formerly Invitae), Labcorp
Classification: Likely benign for Familial adenomatous polyposis 1. Last evaluated: 2025-09-29. Review status: criteria provided, single submitter. Criteria: Invitae Variant Classification Sherloc (09022015). Collection method: clinical testing. Allele origin: germline.

Myriad Genetics, Inc.
Classification: Benign for Familial adenomatous polyposis 1. Last evaluated: 2024-02-27. Review status: criteria provided, single submitter. Criteria: Myriad Autosomal Dominant, Autosomal Recessive and X-Linked Classification Criteria (2023). Collection method: clinical testing. Allele origin: unknown.
Comment: This variant is considered benign. This variant is a silent/synonymous amino acid change and it is not expected to impact splicing.

Mendelics
Classification: Benign. Last evaluated: 2022-05-04. Review status: criteria provided, single submitter. Criteria: Mendelics Assertion Criteria 2019. Collection method: clinical testing. Allele origin: germline.

Color Diagnostics, LLC DBA Color Health
Classification: Likely benign for Hereditary cancer-predisposing syndrome. Last evaluated: 2021-11-16. Review status: criteria provided, single submitter. Criteria: ACMG Guidelines, 2015. Collection method: clinical testing. Allele origin: germline.

Ambry Genetics
Classification: Likely benign for Hereditary cancer-predisposing syndrome. Last evaluated: 2020-12-01. Review status: criteria provided, single submitter. Criteria: Ambry Variant Classification Scheme 2023. Collection method: clinical testing. Allele origin: germline.

NM_000038.6(APC):c.807C>T (p.Ile269=)

Gene: APC (APC regulator of Wnt signaling pathway; plus strand). Cytogenetic location: 5q22.2.
Variant type: single nucleotide variant.
Coding change: c.807C>T on transcript NM_000038.6 (MANE Select); coding-DNA position 807, C replaced by T.
Protein change: p.Ile269=; no amino-acid change (isoleucine 269 retained).
Molecular consequence: synonymous variant. On other transcripts: 5 prime UTR variant (1).
Genome position (GRCh38, 1-based): chr5:112,801,356, C>T. VCF-style: chr5-112801356-C-T. GRCh37 (hg19) VCF-style: chr5-112137053-C-T.
Other names: c.807C>T, p.Ile269= (NM_001127510.3, NM_001354895.2, NM_001354896.2 and 1 more transcripts); c.753C>T, p.Ile251= (NM_001127511.3); c.837C>T, p.Ile279= (NM_001354897.2, NM_001354902.2); c.732C>T, p.Ile244= (NM_001354898.2, NM_001354904.2); c.723C>T, p.Ile241= (NM_001354899.2); c.630C>T, p.Ile210= (NM_001354900.2, NM_001354901.2, NM_001354905.2); c.-229C>T (NM_001354906.2).
Identifiers: ClinVar variation 1134907 (VCV001134907.15), dbSNP rs1000878850, ClinGen allele CA124954122.
Genomic context (GRCh38, chr5:112,801,356, plus strand): 5'-GCATGAAACCGGCTCACATGATGCTGAGCGGCAGAATGAAGGTCAAGGAGTGGGAGAAAT[C>T]AACATGGCAACTTCTGGTAATGGTCAGGTAAATAAATTATTTTATCATATTTTTTAAAAT-3'
Protein context (NP_000029.2, residues 259-279): RQNEGQGVGE[Ile269=]NMATSGNGQG